The following is an entry in ClinVar:

ClinVar aggregate classification (germline): Conflicting classifications of pathogenicity. Review status: criteria provided, conflicting classifications (1 of 4 stars). 6 submissions from 6 submitters: Uncertain significance (1); Likely benign (5). Last evaluated 2026-01-12.

Conditions:
Hereditary cancer-predisposing syndrome. Also called: Neoplastic Syndromes, Hereditary; Hereditary Cancer Syndrome; Tumor predisposition; Hereditary neoplastic syndrome. Identifiers: Orphanet 140162, MedGen C0027672, MeSH D009386, MONDO:0015356.
Familial cancer of breast. Also called: Hereditary breast cancer; BREAST CANCER, FAMILIAL; hereditary breast carcinoma. Identifiers: Orphanet 227535, MedGen C0346153, MONDO:0016419, OMIM 114480. Disease mechanism: loss of function.
Ataxia-telangiectasia syndrome (AT). Also called: LOUIS-BAR SYNDROME; Cerebello-oculocutaneous telangiectasia; Immunodeficiency with ataxia telangiectasia; Ataxia-telangiectasia, complementation group D; AT, COMPLEMENTATION GROUP C; Ataxia-telangiectasia, complementation group E. Identifiers: Orphanet 100, MedGen C0004135, MONDO:0008840, OMIM 208900.

Allele frequency attached by ClinVar (database versions not stated): TOPMed 0.00018.
gnomAD v4.1: 27 of 1,613,326 alleles (0.0017%); highest among the groups gnomAD compares: Admixed American, 0.032%; no homozygotes.

Submissions (6):

Labcorp Genetics (formerly Invitae), Labcorp
Classification: Likely benign for Ataxia-telangiectasia syndrome. Last evaluated: 2026-01-12. Review status: criteria provided, single submitter. Criteria: Invitae Variant Classification Sherloc (09022015). Collection method: clinical testing. Allele origin: germline.

Myriad Genetics, Inc.
Classification: Likely benign for Familial cancer of breast. Last evaluated: 2024-06-06. Review status: criteria provided, single submitter. Criteria: Myriad Autosomal Dominant, Autosomal Recessive and X-Linked Classification Criteria (2023). Collection method: clinical testing. Allele origin: unknown.
Comment: This variant is considered likely benign. This variant is intronic and is not expected to impact mRNA splicing.

Department of Pathology and Laboratory Medicine, Sinai Health System
Classification: Likely benign for Familial cancer of breast. Last evaluated: 2024-05-28. Review status: criteria provided, single submitter. Criteria: ACMG Guidelines, 2015. Collection method: clinical testing. Allele origin: germline. Affected: yes.

Illumina Laboratory Services, Illumina
Classification: Uncertain significance for Ataxia-telangiectasia syndrome. Last evaluated: 2018-02-09. Review status: criteria provided, single submitter. Criteria: ICSL Variant Classification Criteria 13 December 2019. Collection method: clinical testing. Allele origin: germline.

GeneDx
Classification: Likely benign. Last evaluated: 2017-11-28. Review status: criteria provided, single submitter. Criteria: GeneDx Variant Classification (06012015). Collection method: clinical testing. Allele origin: germline. Affected: yes.
Comment: This variant is considered likely benign or benign based on one or more of the following criteria: it is a conservative change, it occurs at a poorly conserved position in the protein, it is predicted to be benign by multiple in silico algorithms, and/or has population frequency not consistent with disease.

Color Diagnostics, LLC DBA Color Health
Classification: Likely benign for Hereditary cancer-predisposing syndrome. Last evaluated: 2017-05-01. Review status: criteria provided, single submitter. Criteria: ACMG Guidelines, 2015. Collection method: clinical testing. Allele origin: germline.

NM_000051.4(ATM):c.6453-15C>T

Genes: ATM (ATM serine/threonine kinase; plus strand), C11orf65 (chromosome 11 open reading frame 65; minus strand). Cytogenetic location: 11q22.3.
Variant type: single nucleotide variant.
Coding change: c.6453-15C>T on transcript NM_000051.4 (MANE Select); 15 bases into the intron before coding-DNA position 6453, C replaced by T.
Molecular consequence: intron variant.
Genome position (GRCh38, 1-based): chr11:108,321,286, C>T. VCF-style: chr11-108321286-C-T. GRCh37 (hg19) VCF-style: chr11-108192013-C-T.
Other names: c.6453-15C>T (NM_001351834.2); c.641-12215G>A (NM_001330368.2); c.*39-12215G>A (NM_001351110.2).
Identifiers: ClinVar variation 490659 (VCV000490659.17), dbSNP rs763296454, ClinGen allele CA6265948.
Genomic context (GRCh38, chr11:108,321,286, plus strand): 5'-ACAACAAATTTAAACATTTATTTCCCTGAAAACCTCTTCTTTATTTTCAGAGTGTCTTTT[C>T]TTTTTTGCTACTAGAGTAAAAGAAGTGGAAGAGATGTGTAAGCGCAGCCTTGAGTCTGTG-3'